The following is an entry in ClinVar:

ClinVar aggregate classification (germline): Uncertain significance (1 of 4 stars; one submission).

gnomAD v4.1: 1 of 1,521,020 alleles (0.000066%); no homozygotes.

Submission:

Labcorp Genetics (formerly Invitae), Labcorp
Classification: Uncertain significance. Last evaluated: 2024-04-19. Review status: criteria provided, single submitter. Criteria: Invitae Variant Classification Sherloc (09022015). Collection method: clinical testing. Allele origin: germline.
Comment: This sequence change replaces isoleucine, which is neutral and non-polar, with serine, which is neutral and polar, at codon 208 of the MKL1 protein (p.Ile208Ser). This variant is present in population databases (no rsID available, gnomAD 0.004%). This variant has not been reported in the literature in individuals affected with MKL1-related conditions. An algorithm developed to predict the effect of missense changes on protein structure and function (PolyPhen-2) suggests that this variant is likely to be disruptive. Algorithms developed to predict the effect of sequence changes on RNA splicing suggest that this variant may create or strengthen a splice site. In summary, the available evidence is currently insufficient to determine the role of this variant in disease. Therefore, it has been classified as a Variant of Uncertain Significance.

NM_020831.6(MRTFA):c.923T>G (p.Ile308Ser)

Gene: MRTFA (myocardin related transcription factor A; minus strand). Cytogenetic location: 22q13.1.
Variant type: single nucleotide variant.
Coding change: c.923T>G on transcript NM_020831.6 (MANE Select); coding-DNA position 923, T replaced by G.
Protein change: p.Ile308Ser; replaces isoleucine 308 with serine.
Molecular consequence: missense variant. On other transcripts: intron variant (1).
Genome position (GRCh38, 1-based): chr22:40,423,540, A>C on the plus strand (T>G on the coding strand, the complement: MRTFA is on the minus strand). VCF-style: chr22-40423540-A-C. GRCh37 (hg19) VCF-style: chr22-40819544-A-C.
Other names: c.623T>G, p.Ile208Ser (NM_001282660.2); c.923T>G, p.Ile308Ser (NM_001282662.3); c.728T>G, p.Ile243Ser (NM_001318139.2); c.777+666T>G (NM_001282661.3); short protein forms I208S, I243S, I308S.
Identifiers: ClinVar variation 3617173 (VCV003617173.2).